The following is an entry in ClinVar:

NM_006080.3(SEMA3A):c.1596C>T (p.Asp532=)

Gene: SEMA3A (semaphorin 3A; minus strand). Cytogenetic location: 7q21.11.
Variant type: single nucleotide variant.
Coding change: c.1596C>T on transcript NM_006080.3 (MANE Select); coding-DNA position 1596, C replaced by T.
Protein change: p.Asp532=; no amino-acid change (aspartic acid 532 retained).
Molecular consequence: synonymous variant.
Genome position (GRCh38, 1-based): chr7:83,981,377, G>A on the plus strand (C>T on the coding strand, the complement: SEMA3A is on the minus strand). VCF-style: chr7-83981377-G-A. GRCh37 (hg19) VCF-style: chr7-83610693-G-A.
Identifiers: ClinVar variation 713108 (VCV000713108.4), dbSNP rs971711679, ClinGen allele CA161182976.
Genomic context (GRCh38, chr7:83,981,377, plus strand): 5'-CTACCTCTTTGCAGTGGGAAAATAGCGAGAACATGCAGAACCATCCCAAGCACAGTAAGG[G>A]TCTCGGGCGAGGCAACACTCAGCACACGCTTTCCCGTAAATATCACACCGGTGTAAAGGG-3'
Protein context (NP_006071.1, residues 522-542): KACAECCLAR[Asp532=]PYCAWDGSAC

ClinVar aggregate classification (germline): Likely benign. Review status: criteria provided, multiple submitters, no conflicts (2 of 4 stars). 2 submissions from 2 submitters: Likely benign (2). Last evaluated 2026-01-30.

Conditions:
SEMA3A-related disorder. Also called: SEMA3A-related condition.

Allele frequency attached by ClinVar (database versions not stated): gnomAD exomes below 0.00001; gnomAD 0.00001 and 0.00002; TOPMed 0.00002.
gnomAD v4.1: 6 of 1,613,966 alleles (0.00037%); highest among the groups gnomAD compares: African/African-American, 0.0053%; no homozygotes.

Submissions (2):

PreventionGenetics, part of Exact Sciences
Classification: Likely benign for SEMA3A-related condition. Last evaluated: 2026-01-30. Review status: criteria provided, single submitter. Criteria: ACMG Guidelines, 2015. Collection method: clinical testing. Allele origin: germline.
Comment: This variant is classified as likely benign based on ACMG/AMP sequence variant interpretation guidelines (Richards et al. 2015 PMID: 25741868, with internal and published modifications).

Labcorp Genetics (formerly Invitae), Labcorp
Classification: Likely benign. Last evaluated: 2017-09-07. Review status: criteria provided, single submitter. Criteria: Invitae Variant Classification Sherloc (09022015). Collection method: clinical testing. Allele origin: germline.